The following is an entry in ClinVar:

ClinVar aggregate classification (germline): Pathogenic (1 of 4 stars; one submission).

Conditions:
Familial adenomatous polyposis 1 (FAP1). Also called: FAMILIAL ADENOMATOUS POLYPOSIS 1, ATTENUATED; POLYPOSIS, ADENOMATOUS INTESTINAL. Identifiers: MedGen C2713442, MONDO:0021056, OMIM 175100. Disease mechanism: loss of function.

Submission:

Labcorp Genetics (formerly Invitae), Labcorp
Classification: Pathogenic for Familial adenomatous polyposis 1. Last evaluated: 2021-08-12. Review status: criteria provided, single submitter. Criteria: Invitae Variant Classification Sherloc (09022015). Collection method: clinical testing. Allele origin: germline.
Comment: This variant is a gross deletion of the genomic region encompassing exon(s) 1-9 of the APC gene, which includes the initiator codon. This deletion extends beyond the assayed region for this gene and therefore may encompass additional genes. It is expected to result in an absent or disrupted protein product. Loss-of-function variants in APC are known to be pathogenic (PMID: 17963004, 20685668). A similar copy number variant has been observed in individual(s) with familial adenomatous polyposis (PMID: 23159591). For these reasons, this variant has been classified as Pathogenic.

Literature cited by the submitters: PubMed 17963004; PubMed 20685668; PubMed 23159591.

NC_000005.9:g.(?_112043009)_(112151296_?)del

Gene: APC (APC regulator of Wnt signaling pathway; plus strand). Cytogenetic location: 5q22.2.
Variant type: Deletion.
Identifiers: ClinVar variation 1069335 (VCV001069335.2).